The following is an entry in ClinVar:

ClinVar aggregate classification (germline): Uncertain significance (1 of 4 stars; one submission).

gnomAD v4.1: 32 of 1,613,988 alleles (0.002%); highest among the groups gnomAD compares: Middle Eastern, 0.016%; no homozygotes.

Submission:

Dasa
Classification: Uncertain significance. Last evaluated: 2025-10-16. Review status: criteria provided, single submitter. Criteria: DASA Assertion Criteria. Collection method: clinical testing. Allele origin: germline.
Comment: NM_000287.4(PEX6):c.1962-39G>A is an intronic variant. This variant is rare in population databases. The currently available literature and clinical evidence are not sufficient to establish a definitive association between this variant and the reported condition. Therefore, this variant is classified as a variant of uncertain significance.

NM_000287.4(PEX6):c.1962-39G>A

Gene: PEX6 (peroxisomal biogenesis factor 6; minus strand). Cytogenetic location: 6p21.1.
Variant type: single nucleotide variant.
Coding change: c.1962-39G>A on transcript NM_000287.4 (MANE Select); 39 bases into the intron before coding-DNA position 1962, G replaced by A.
Molecular consequence: intron variant.
Genome position (GRCh38, 1-based): chr6:42,966,696, C>T on the plus strand (G>A on the coding strand, the complement: PEX6 is on the minus strand). VCF-style: chr6-42966696-C-T. GRCh37 (hg19) VCF-style: chr6-42934434-C-T.
Other names: c.1698-39G>A (NM_001316313.2).
Identifiers: ClinVar variation 4881167 (VCV004881167.2).